The following is an entry in ClinVar:

ClinVar aggregate classification (germline): Uncertain significance (1 of 4 stars; one submission).

Conditions:
POLD1-related polyposis and colorectal cancer syndrome (CRCS10). Also called: Colorectal cancer 10; COLORECTAL CANCER, SUSCEPTIBILITY TO, ON CHROMOSOME 19q; Colorectal cancer, susceptibility to, 10. Identifiers: Orphanet 220460, MedGen C2675481, MONDO:0012953, OMIM 612591.

Allele frequency attached by ClinVar (database versions not stated): gnomAD exomes below 0.00001.
gnomAD v4.1: 3 of 1,593,400 alleles (0.00019%); highest among the groups gnomAD compares: Non-Finnish European, 0.00017%; no homozygotes.

Submission:

Labcorp Genetics (formerly Invitae), Labcorp
Classification: Uncertain significance for POLD1-related polyposis and colorectal cancer syndrome. Last evaluated: 2023-05-31. Review status: criteria provided, single submitter. Criteria: Invitae Variant Classification Sherloc (09022015). Collection method: clinical testing. Allele origin: germline.
Comment: In summary, the available evidence is currently insufficient to determine the role of this variant in disease. Therefore, it has been classified as a Variant of Uncertain Significance. Advanced modeling of protein sequence and biophysical properties (such as structural, functional, and spatial information, amino acid conservation, physicochemical variation, residue mobility, and thermodynamic stability) performed at Invitae indicates that this missense variant is expected to disrupt POLD1 protein function. ClinVar contains an entry for this variant (Variation ID: 1522430). This variant has not been reported in the literature in individuals affected with POLD1-related conditions. This variant is not present in population databases (gnomAD no frequency). This sequence change replaces leucine, which is neutral and non-polar, with valine, which is neutral and non-polar, at codon 848 of the POLD1 protein (p.Leu848Val).

NM_002691.4(POLD1):c.2542C>G (p.Leu848Val)

Gene: POLD1 (DNA polymerase delta 1, catalytic subunit; plus strand). Cytogenetic location: 19q13.33.
Variant type: single nucleotide variant.
Coding change: c.2542C>G on transcript NM_002691.4 (MANE Select); coding-DNA position 2542, C replaced by G.
Protein change: p.Leu848Val; replaces leucine 848 with valine.
Molecular consequence: missense variant. On other transcripts: non-coding transcript variant (1).
Genome position (GRCh38, 1-based): chr19:50,414,968, C>G. VCF-style: chr19-50414968-C-G. GRCh37 (hg19) VCF-style: chr19-50918225-C-G.
Other names: c.2542C>G, p.Leu848Val (NM_001256849.1); c.2620C>G, p.Leu874Val (NM_001308632.1); short protein forms L874V, L848V.
Identifiers: ClinVar variation 1522430 (VCV001522430.6), dbSNP rs1555792888, ClinGen allele CA406985215.
Genomic context (GRCh38, chr19:50,414,968, plus strand): 5'-GGCCTGGAGGCCGTGCGCAGGGACAACTGCCCCCTCGTGGCCAACCTGGTCACTGCCTCA[C>G]TGCGCCGCCTGCTCATCGACCGGTGTGTGGGGCCTCCTCCCTCAGACTCAGGGGGCTGGG-3'
Protein context (NP_002682.2, residues 838-858): PLVANLVTAS[Leu848Val]RRLLIDRDPE